The following is an entry in ClinVar:

NM_001110556.2(FLNA):c.428C>T (p.Thr143Ile)

Gene: FLNA (filamin A; minus strand). Cytogenetic location: Xq28.
Variant type: single nucleotide variant.
Coding change: c.428C>T on transcript NM_001110556.2 (MANE Select); coding-DNA position 428, C replaced by T.
Protein change: p.Thr143Ile; replaces threonine 143 with isoleucine.
Molecular consequence: missense variant.
Genome position (GRCh38, 1-based): chrX:154,368,036, G>A on the plus strand (C>T on the coding strand, the complement: FLNA is on the minus strand). VCF-style: chrX-154368036-G-A. GRCh37 (hg19) VCF-style: chrX-153596404-G-A.
Other names: c.428C>T, p.Thr143Ile (NM_001456.4); short protein forms T143I.
Identifiers: ClinVar variation 452338 (VCV000452338.3), dbSNP rs1557179679, ClinGen allele CA415250744.

ClinVar aggregate classification (germline): Uncertain significance. Review status: criteria provided, multiple submitters, no conflicts (2 of 4 stars). 2 submissions from 2 submitters: Uncertain significance (2). Last evaluated 2024-03-26.

Conditions:
Heterotopia, periventricular, X-linked dominant (PVNH1). Also called: PERIVENTRICULAR NODULAR HETEROTOPIA 1; X-linked periventricular heterotopia; PERIVENTRICULAR NODULAR HETEROTOPIA 4; HETEROTOPIA, PERIVENTRICULAR, 1. Identifiers: Orphanet 2149, Orphanet 82004, MedGen C1848213, MONDO:0010233, OMIM 300049.

Submissions (2):

Genomic Medicine Center of Excellence, King Faisal Specialist Hospital and Research Centre
Classification: Uncertain significance for Heterotopia, periventricular, X-linked dominant. Last evaluated: 2024-03-26. Review status: criteria provided, single submitter. Criteria: ACMG Guidelines, 2015. Collection method: clinical testing. Allele origin: germline.

GeneDx
Classification: Uncertain significance. Last evaluated: 2017-09-22. Review status: criteria provided, single submitter. Criteria: GeneDx Variant Classification (06012015). Collection method: clinical testing. Allele origin: germline. Affected: yes.
Comment: A variant of uncertain significance has been identified in the FLNA gene. The T143I variant has not been published as pathogenic or been reported as benign to our knowledge. This variant is not observed in large population cohorts (Lek et al., 2016). The T143I variant is a non-conservative amino acid substitution, which is likely to impact secondary protein structure as these residues differ in polarity, charge, size and/or other properties. This substitution occurs at a position that is conserved across species, and in silico analysis predicts this variant is probably damaging to the protein structure/function. However, this variant lacks observation in a significant number of affected individuals, segregation data, and functional evidence, which would further clarify its pathogenicity.